The following is an entry in ClinVar:

ClinVar aggregate classification (germline): Uncertain significance (1 of 4 stars; one submission).

Conditions:
Joubert syndrome. Also called: CEREBELLOPARENCHYMAL DISORDER IV; JOUBERT-BOLTSHAUSER SYNDROME; Familial aplasia of the vermis. Identifiers: Orphanet 475, MedGen C5979921, MONDO:0018772.
Orofaciodigital syndrome I (OFD1). Also called: OFDS I; Papillon-Leage and Psaume Syndrome; Oral-Facial-Digital Syndrome Type I. Identifiers: Orphanet 2750, MedGen C1510460, MONDO:0010702, OMIM 311200.

Submission:

Labcorp Genetics (formerly Invitae), Labcorp
Classification: Uncertain significance for Orofaciodigital syndrome I; Joubert syndrome. Last evaluated: 2021-11-27. Review status: criteria provided, single submitter. Criteria: Invitae Variant Classification Sherloc (09022015). Collection method: clinical testing. Allele origin: germline.
Comment: This variant has not been reported in the literature in individuals affected with OFD1-related conditions. This variant is not present in population databases (gnomAD no frequency). This sequence change creates a premature translational stop signal (p.Glu326Glyfs*3) in the OFD1 gene. However, it is currently unclear if variants that occur in this region of the gene cause disease. In summary, the available evidence is currently insufficient to determine the role of this variant in disease. Therefore, it has been classified as a Variant of Uncertain Significance.

NM_003611.3(OFD1):c.975_976del (p.Glu326fs)

Gene: OFD1 (OFD1 centriole and centriolar satellite protein; plus strand). Cytogenetic location: Xp22.2.
Variant type: Deletion.
Coding change: c.975_976del on transcript NM_003611.3 (MANE Select); coding-DNA positions 975 to 976, 2 bases deleted (TG; older notation c.975_976delTG).
Protein change: p.Glu326fs; shifts the reading frame from glutamic acid 326.
Molecular consequence: frameshift variant. On other transcripts: intron variant (1).
Genome position (GRCh38, 1-based): chrX:13,751,288-13,751,289, TG deleted. VCF-style (leftmost placement, unchanged base first): chrX-13751287-CTG-C. GRCh37 (hg19) VCF-style: chrX-13769406-CTG-C.
Other names: c.555_556del, p.Glu186fs (NM_001330210.2); c.935+1755_935+1756del (NM_001330209.2); short protein forms E186fs, E326fs.
Identifiers: ClinVar variation 2003631 (VCV002003631.4), dbSNP rs2518868440, ClinGen allele CA2580100348.